The following is an entry in ClinVar:

NM_000059.4(BRCA2):c.3409T>A (p.Leu1137Met)

Gene: BRCA2 (BRCA2 DNA repair associated; plus strand). Cytogenetic location: 13q13.1.
Variant type: single nucleotide variant.
Coding change: c.3409T>A on transcript NM_000059.4 (MANE Select); coding-DNA position 3409, T replaced by A.
Protein change: p.Leu1137Met; replaces leucine 1137 with methionine.
Molecular consequence: missense variant.
Genome position (GRCh38, 1-based): chr13:32,337,764, T>A. VCF-style: chr13-32337764-T-A. GRCh37 (hg19) VCF-style: chr13-32911901-T-A.
Other names: short protein forms L1137M.
Identifiers: ClinVar variation 531213 (VCV000531213.14), dbSNP rs1054724641, ClinGen allele CA247504958.

ClinVar aggregate classification (germline): Conflicting classifications of pathogenicity. Review status: criteria provided, conflicting classifications (1 of 4 stars). 4 submissions from 4 submitters: Uncertain significance (2); Likely benign (2). Last evaluated 2023-11-29.

Conditions:
Hereditary cancer-predisposing syndrome. Also called: Hereditary neoplastic syndrome; Neoplastic Syndromes, Hereditary; Hereditary Cancer Syndrome; Tumor predisposition. Identifiers: Orphanet 140162, MedGen C0027672, MeSH D009386, MONDO:0015356.
Hereditary breast ovarian cancer syndrome. Also called: Hereditary breast and ovarian cancer syndrome (HBOC); Hereditary breast and ovarian cancer syndrome; Breast and ovarian cancer; Hereditary breast and/or ovarian cancer syndrome; Hereditary breast and ovarian cancer; BRCA1- and BRCA2-Associated Hereditary Breast and Ovarian Cancer. Identifiers: Orphanet 145, MedGen C0677776, MeSH D061325, MONDO:0003582. Disease mechanism: loss of function.

Allele frequency attached by ClinVar (database versions not stated): TOPMed below 0.00001.
gnomAD v4.1: 1 of 1,613,984 alleles (0.000062%); highest among the groups gnomAD compares: Non-Finnish European, 0.000085%; no homozygotes.

Submissions (4):

Ambry Genetics
Classification: Likely benign for Hereditary cancer-predisposing syndrome. Last evaluated: 2023-11-29. Review status: criteria provided, single submitter. Criteria: Ambry Variant Classification Scheme 2023. Collection method: clinical testing. Allele origin: germline.

GeneDx
Classification: Uncertain significance. Last evaluated: 2023-11-19. Review status: criteria provided, single submitter. Criteria: GeneDx Variant Classification Process June 2021. Collection method: clinical testing. Allele origin: germline. Affected: yes.
Comment: Not observed at significant frequency in large population cohorts (gnomAD); In silico analysis supports that this missense variant does not alter protein structure/function; Has not been previously published as pathogenic or benign to our knowledge; Also known as 3637T>A; This variant is associated with the following publications: (PMID: 32377563, 29884841)

Labcorp Genetics (formerly Invitae), Labcorp
Classification: Uncertain significance for Hereditary breast ovarian cancer syndrome. Last evaluated: 2023-03-30. Review status: criteria provided, single submitter. Criteria: Invitae Variant Classification Sherloc (09022015). Collection method: clinical testing. Allele origin: germline.
Comment: Advanced modeling of protein sequence and biophysical properties (such as structural, functional, and spatial information, amino acid conservation, physicochemical variation, residue mobility, and thermodynamic stability) performed at Invitae indicates that this missense variant is not expected to disrupt BRCA2 protein function. This sequence change replaces leucine, which is neutral and non-polar, with methionine, which is neutral and non-polar, at codon 1137 of the BRCA2 protein (p.Leu1137Met). This variant is not present in population databases (gnomAD no frequency). This variant has not been reported in the literature in individuals affected with BRCA2-related conditions. ClinVar contains an entry for this variant (Variation ID: 531213). In summary, the available evidence is currently insufficient to determine the role of this variant in disease. Therefore, it has been classified as a Variant of Uncertain Significance.

University of Washington Department of Laboratory Medicine, University of Washington
Classification: Likely benign for Hereditary cancer-predisposing syndrome. Last evaluated: 2023-03-23. Review status: criteria provided, single submitter. Criteria: Dines et al. (Genet Med. 2020). Collection method: curation. Allele origin: germline.
Comment: Missense variant in a coldspot region where missense variants are very unlikely to be pathogenic (PMID:31911673).

BRCA2 exon 11 coldspot. Reclassification based on statistical prior probability.